The following is an entry in ClinVar:

ClinVar aggregate classification (germline): Benign (1 of 4 stars; one submission).

Allele frequency attached by ClinVar (database versions not stated): gnomAD 0.02100 and 0.02146; TOPMed 0.02112; gnomAD exomes 0.02480 and 0.03376; ESP Exome Variant Server 0.02583; ExAC 0.02733; 1000 Genomes Project 30x 0.02951; 1000 Genomes Project 0.03115.
gnomAD v4.1: 52,511 of 1,613,200 alleles (3.3%); highest among the groups gnomAD compares: South Asian, 5.2%; 1,087 homozygotes.

Submission:

GeneDx
Classification: Benign. Last evaluated: 2021-05-05. Review status: criteria provided, single submitter. Criteria: GeneDx Variant Classification Process June 2021. Collection method: clinical testing. Allele origin: germline. Affected: yes.
Comment: This variant is associated with the following publications: (PMID: 33134369)

NM_004557.4(NOTCH4):c.1600G>A (p.Gly534Ser)

Gene: NOTCH4 (notch receptor 4; minus strand). Cytogenetic location: 6p21.32.
Variant type: single nucleotide variant.
Coding change: c.1600G>A on transcript NM_004557.4 (MANE Select); coding-DNA position 1600, G replaced by A.
Protein change: p.Gly534Ser; replaces glycine 534 with serine.
Molecular consequence: missense variant. On other transcripts: non-coding transcript variant (2).
Genome position (GRCh38, 1-based): chr6:32,218,019, C>T on the plus strand (G>A on the coding strand, the complement: NOTCH4 is on the minus strand). VCF-style: chr6-32218019-C-T. GRCh37 (hg19) VCF-style: chr6-32185796-C-T.
Other names: short protein forms G534S.
Identifiers: ClinVar variation 1220553 (VCV001220553.3), dbSNP rs8192591, ClinGen allele CA3739946.